The following is an entry in ClinVar:

NM_206933.4(USH2A):c.5398T>C (p.Trp1800Arg)

Genes: USH2A (usherin; minus strand), USH2A-AS2 (USH2A antisense RNA 2; plus strand). Cytogenetic location: 1q41.
Variant type: single nucleotide variant.
Coding change: c.5398T>C on transcript NM_206933.4 (MANE Select); coding-DNA position 5398, T replaced by C.
Protein change: p.Trp1800Arg; replaces tryptophan 1800 with arginine.
Molecular consequence: missense variant.
Genome position (GRCh38, 1-based): chr1:216,078,263, A>G on the plus strand (T>C on the coding strand, the complement: USH2A is on the minus strand). VCF-style: chr1-216078263-A-G. GRCh37 (hg19) VCF-style: chr1-216251605-A-G.
Other names: short protein forms W1800R.
Identifiers: ClinVar variation 2883986 (VCV002883986.3), dbSNP rs2527792724, ClinGen allele CA344856316.

ClinVar aggregate classification (germline): Pathogenic (1 of 4 stars; one submission).

Submission:

Labcorp Genetics (formerly Invitae), Labcorp
Classification: Pathogenic. Last evaluated: 2022-11-18. Review status: criteria provided, single submitter. Criteria: Invitae Variant Classification Sherloc (09022015). Collection method: clinical testing. Allele origin: germline.
Comment: For these reasons, this variant has been classified as Pathogenic. Advanced modeling of protein sequence and biophysical properties (such as structural, functional, and spatial information, amino acid conservation, physicochemical variation, residue mobility, and thermodynamic stability) performed at Invitae indicates that this missense variant is expected to disrupt USH2A protein function. This missense change has been observed in individual(s) with clinical features of USH2A associated conditions (PMID: 29625443, 30948794; Invitae). This variant is not present in population databases (gnomAD no frequency). This sequence change replaces tryptophan, which is neutral and slightly polar, with arginine, which is basic and polar, at codon 1800 of the USH2A protein (p.Trp1800Arg).

Literature cited by the submitters: PubMed 29625443; PubMed 30948794.